The following is an entry in ClinVar:

NM_001267550.2(TTN):c.21895C>T (p.Gln7299Ter)

Gene: TTN (titin; minus strand). Cytogenetic location: 2q31.2.
Variant type: single nucleotide variant.
Coding change: c.21895C>T on transcript NM_001267550.2 (MANE Select); coding-DNA position 21895, C replaced by T.
Protein change: p.Gln7299Ter; replaces glutamine 7299 with a stop codon.
Molecular consequence: nonsense. On other transcripts: intron variant (3).
Genome position (GRCh38, 1-based): chr2:178,723,112, G>A on the plus strand (C>T on the coding strand, the complement: TTN is on the minus strand). VCF-style: chr2-178723112-G-A. GRCh37 (hg19) VCF-style: chr2-179587839-G-A.
Other names: c.20944C>T, p.Gln6982Ter (NM_001256850.1); c.18163C>T, p.Gln6055Ter (NM_133378.4); c.13282+14970C>T (NM_003319.4); c.13858+14970C>T (NM_133437.4); c.13657+14970C>T (NM_133432.3); short protein forms Q6055*, Q6982*, Q7299*.
Identifiers: ClinVar variation 3767519 (VCV003767519.1).

ClinVar aggregate classification (germline): Uncertain significance (1 of 4 stars; one submission).

Submission:

GeneDx
Classification: Uncertain significance. Last evaluated: 2024-09-10. Review status: criteria provided, single submitter. Criteria: GeneDx Variant Classification Process June 2021. Collection method: clinical testing. Allele origin: germline. Affected: yes.
Comment: Not observed at significant frequency in large population cohorts (gnomAD); Nonsense variant predicted to result in protein truncation or nonsense mediated decay in a gene or region of a gene for which loss of function is not a well-established mechanism of disease; Has not been previously published as pathogenic or benign to our knowledge